The following is an entry in ClinVar:

ClinVar aggregate classification (germline): Uncertain significance (1 of 4 stars; one submission).

gnomAD v4.1: 2 of 1,613,780 alleles (0.00012%); highest among the groups gnomAD compares: South Asian, 0.0011%; no homozygotes.

Submission:

Labcorp Genetics (formerly Invitae), Labcorp
Classification: Uncertain significance. Last evaluated: 2026-01-14. Review status: criteria provided, single submitter. Criteria: Invitae Variant Classification Sherloc (09022015). Collection method: clinical testing. Allele origin: germline.
Comment: This sequence change replaces arginine, which is basic and polar, with glutamine, which is neutral and polar, at codon 324 of the FLI1 protein (p.Arg324Gln). The frequency data for this variant in the population databases is considered unreliable, as metrics indicate poor data quality at this position in the gnomAD database. This variant has not been reported in the literature in individuals affected with FLI1-related conditions. Invitae Evidence Modeling of protein sequence and biophysical properties (such as structural, functional, and spatial information, amino acid conservation, physicochemical variation, residue mobility, and thermodynamic stability) indicates that this missense variant is not expected to disrupt FLI1 protein function with a negative predictive value of 80%. In summary, the available evidence is currently insufficient to determine the role of this variant in disease. Therefore, it has been classified as a Variant of Uncertain Significance.

NM_002017.5(FLI1):c.971G>A (p.Arg324Gln)

Gene: FLI1 (Fli-1 proto-oncogene, ETS transcription factor; plus strand). Cytogenetic location: 11q24.3.
Variant type: single nucleotide variant.
Coding change: c.971G>A on transcript NM_002017.5 (MANE Select); coding-DNA position 971, G replaced by A.
Protein change: p.Arg324Gln; replaces arginine 324 with glutamine.
Molecular consequence: missense variant.
Genome position (GRCh38, 1-based): chr11:128,810,600, G>A. VCF-style: chr11-128810600-G-A. GRCh37 (hg19) VCF-style: chr11-128680495-G-A.
Other names: c.872G>A, p.Arg291Gln (NM_001440369.1, NM_001440370.1, NM_001440371.1 and 1 more transcripts); c.845G>A, p.Arg282Gln (NM_001440372.1); c.773G>A, p.Arg258Gln (NM_001271010.2); c.392G>A, p.Arg131Gln (NM_001271012.2); short protein forms R291Q, R131Q, R282Q, R324Q, R258Q.
Identifiers: ClinVar variation 4771521 (VCV004771521.1).
Genomic context (GRCh38, chr11:128,810,600, plus strand): 5'-GGACCAACGGGGAGTTCAAAATGACGGACCCCGATGAGGTGGCCAGGCGCTGGGGCGAGC[G>A]GAAAAGCAAGCCCAACATGAATTACGACAAGCTGAGCCGGGCCCTCCGTTATTACTATGA-3'
Protein context (NP_002008.2, residues 314-334): PDEVARRWGE[Arg324Gln]KSKPNMNYDK